The following is an entry in ClinVar:

ClinVar aggregate classification (germline): Uncertain significance. Review status: criteria provided, multiple submitters, no conflicts (2 of 4 stars). 2 submissions from 2 submitters: Uncertain significance (2). Last evaluated 2025-06-19.

Conditions:
Immunodeficiency 36 with lymphoproliferation. Also called: Immunodeficiency 36; Activated PI3K Delta Syndrome Type 2 (APDS2); ACTIVATED PI3K-DELTA SYNDROME 2. Identifiers: Orphanet 397596, Orphanet 693681, MedGen C4014934, MONDO:0014453, OMIM 616005.
Agammaglobulinemia 7, autosomal recessive (AGM7). Also called: AGAMMAGLOBULINEMIA, AUTOSOMAL RECESSIVE, DUE TO PIK3R1 DEFECT. Identifiers: MedGen C3554689, MONDO:0014083, OMIM 615214.
SHORT syndrome. Also called: SHORT STATURE, HYPEREXTENSIBILITY, HERNIA, OCULAR DEPRESSION, RIEGER ANOMALY, AND TEETHING DELAY; LIPODYSTROPHY, PARTIAL, WITH RIEGER ANOMALY AND SHORT STATURE; PIK3R1-Related SHORT Syndrome. Identifiers: Orphanet 3163, MedGen C0878684, MONDO:0010026, OMIM 269880.

gnomAD v4.1: 6 of 1,614,084 alleles (0.00037%); highest among the groups gnomAD compares: Middle Eastern, 0.016%; no homozygotes.

Submissions (2):

Labcorp Genetics (formerly Invitae), Labcorp
Classification: Uncertain significance for SHORT syndrome; Immunodeficiency 36 with lymphoproliferation; Agammaglobulinemia 7, autosomal recessive. Last evaluated: 2025-06-19. Review status: criteria provided, single submitter. Criteria: Invitae Variant Classification Sherloc (09022015). Collection method: clinical testing. Allele origin: germline.
Comment: This sequence change replaces arginine, which is basic and polar, with glutamine, which is neutral and polar, at codon 590 of the PIK3R1 protein (p.Arg590Gln). This variant is present in population databases (rs771674865, gnomAD 0.01%). This variant has not been reported in the literature in individuals affected with PIK3R1-related conditions. ClinVar contains an entry for this variant (Variation ID: 3337458). Invitae Evidence Modeling of protein sequence and biophysical properties (such as structural, functional, and spatial information, amino acid conservation, physicochemical variation, residue mobility, and thermodynamic stability) indicates that this missense variant is not expected to disrupt PIK3R1 protein function with a negative predictive value of 80%. In summary, the available evidence is currently insufficient to determine the role of this variant in disease. Therefore, it has been classified as a Variant of Uncertain Significance.

Clinical Genetics Laboratory, Skane University Hospital Lund
Classification: Uncertain significance. Last evaluated: 2022-05-27. Review status: criteria provided, single submitter. Criteria: ACMG Guidelines, 2015. Collection method: clinical testing. Allele origin: germline. Affected: yes.

NM_181523.3(PIK3R1):c.1769G>A (p.Arg590Gln)

Gene: PIK3R1 (phosphoinositide-3-kinase regulatory subunit 1; plus strand). Cytogenetic location: 5q13.1.
Variant type: single nucleotide variant.
Coding change: c.1769G>A on transcript NM_181523.3 (MANE Select); coding-DNA position 1769, G replaced by A.
Protein change: p.Arg590Gln; replaces arginine 590 with glutamine.
Molecular consequence: missense variant.
Genome position (GRCh38, 1-based): chr5:68,295,443, G>A. VCF-style: chr5-68295443-G-A. GRCh37 (hg19) VCF-style: chr5-67591271-G-A.
Other names: c.680G>A, p.Arg227Gln (NM_001242466.2); c.959G>A, p.Arg320Gln (NM_181504.4); c.869G>A, p.Arg290Gln (NM_181524.2); short protein forms R227Q, R290Q, R320Q, R590Q.
Identifiers: ClinVar variation 3337458 (VCV003337458.2).